The following is an entry in ClinVar:

NM_001370466.1(NOD2):c.2032G>T (p.Ala678Ser)

Gene: NOD2 (nucleotide binding oligomerization domain containing 2; plus strand). Cytogenetic location: 16q12.1.
Variant type: single nucleotide variant.
Coding change: c.2032G>T on transcript NM_001370466.1 (MANE Select); coding-DNA position 2032, G replaced by T.
Protein change: p.Ala678Ser; replaces alanine 678 with serine.
Molecular consequence: missense variant. On other transcripts: non-coding transcript variant (1).
Genome position (GRCh38, 1-based): chr16:50,712,024, G>T. VCF-style: chr16-50712024-G-T. GRCh37 (hg19) VCF-style: chr16-50745935-G-T.
Other names: c.2032G>T, p.Ala678Ser (NM_001293557.2); c.2113G>T, p.Ala705Ser (NM_022162.3); short protein forms A678S, A705S.
Identifiers: ClinVar variation 2152447 (VCV002152447.4), dbSNP rs749166558, ClinGen allele CA8051697.

ClinVar aggregate classification (germline): Uncertain significance (1 of 4 stars; one submission).

Conditions:
Regional enteritis. Also called: Enteritis, Granulomatous. Identifiers: MedGen C0678202, MeSH D003424.
Blau syndrome (BLAUS). Also called: ARTHROCUTANEOUVEAL GRANULOMATOSIS; GRANULOMATOSIS, FAMILIAL JUVENILE SYSTEMIC; GRANULOMATOSIS, FAMILIAL, BLAU TYPE; GRANULOMATOUS INFLAMMATORY ARTHRITIS, DERMATITIS, AND UVEITIS, FAMILIAL; JABS SYNDROME. Identifiers: Orphanet 90340, MedGen C5201146, MONDO:0008523, OMIM 186580.

Allele frequency attached by ClinVar (database versions not stated): ExAC 0.00001.
gnomAD v4.1: 1 of 1,613,122 alleles (0.000062%); highest among the groups gnomAD compares: Admixed American, 0.0017%; no homozygotes.

Submission:

Labcorp Genetics (formerly Invitae), Labcorp
Classification: Uncertain significance for Regional enteritis; Blau syndrome. Last evaluated: 2024-08-12. Review status: criteria provided, single submitter. Criteria: Invitae Variant Classification Sherloc (09022015). Collection method: clinical testing. Allele origin: germline.
Comment: This sequence change replaces alanine, which is neutral and non-polar, with serine, which is neutral and polar, at codon 705 of the NOD2 protein (p.Ala705Ser). This variant is present in population databases (rs749166558, gnomAD 0.003%). This variant has not been reported in the literature in individuals affected with NOD2-related conditions. ClinVar contains an entry for this variant (Variation ID: 2152447). Advanced modeling of protein sequence and biophysical properties (such as structural, functional, and spatial information, amino acid conservation, physicochemical variation, residue mobility, and thermodynamic stability) performed at Invitae indicates that this missense variant is not expected to disrupt NOD2 protein function with a negative predictive value of 95%. In summary, the available evidence is currently insufficient to determine the role of this variant in disease. Therefore, it has been classified as a Variant of Uncertain Significance.